The following is an entry in ClinVar:

NM_006389.5(HYOU1):c.294T>G (p.Arg98=)

Gene: HYOU1 (hypoxia up-regulated 1; minus strand). Cytogenetic location: 11q23.3.
Variant type: single nucleotide variant.
Coding change: c.294T>G on transcript NM_006389.5 (MANE Select); coding-DNA position 294, T replaced by G.
Protein change: p.Arg98=; no amino-acid change (arginine 98 retained).
Molecular consequence: synonymous variant.
Genome position (GRCh38, 1-based): chr11:119,055,310, A>C on the plus strand (T>G on the coding strand, the complement: HYOU1 is on the minus strand). VCF-style: chr11-119055310-A-C. GRCh37 (hg19) VCF-style: chr11-118926022-A-C.
Other names: c.294T>G (NM_006389.4); c.294T>G, p.Arg98= (NM_001130991.3).
Identifiers: ClinVar variation 1165915 (VCV001165915.10), dbSNP rs142573589, ClinGen allele CA229648982.

ClinVar aggregate classification (germline): Benign/Likely benign. Review status: criteria provided, multiple submitters, no conflicts (2 of 4 stars). 2 submissions from 2 submitters: Benign (1); Likely benign (1). Last evaluated 2026-01-16.

Conditions:
HYOU1-related disorder. Also called: HYOU1-related condition.

Allele frequency attached by ClinVar (database versions not stated): gnomAD exomes 0.00005; gnomAD 0.00076 and 0.00083; TOPMed 0.00088.
gnomAD v4.1: 198 of 1,613,828 alleles (0.012%); highest among the groups gnomAD compares: African/African-American, 0.22%; 1 homozygote.

Submissions (2):

Labcorp Genetics (formerly Invitae), Labcorp
Classification: Benign. Last evaluated: 2026-01-16. Review status: criteria provided, single submitter. Criteria: Invitae Variant Classification Sherloc (09022015). Collection method: clinical testing. Allele origin: germline.

PreventionGenetics, part of Exact Sciences
Classification: Likely benign for HYOU1-related condition. Last evaluated: 2025-11-05. Review status: criteria provided, single submitter. Criteria: ACMG Guidelines, 2015. Collection method: clinical testing. Allele origin: germline.
Comment: This variant is classified as likely benign based on ACMG/AMP sequence variant interpretation guidelines (Richards et al. 2015 PMID: 25741868, with internal and published modifications).